The following is an entry in ClinVar:

NM_001458.5(FLNC):c.3243G>A (p.Ala1081=)

Gene: FLNC (filamin C; plus strand). Cytogenetic location: 7q32.1.
Variant type: single nucleotide variant.
Coding change: c.3243G>A on transcript NM_001458.5 (MANE Select); coding-DNA position 3243, G replaced by A.
Protein change: p.Ala1081=; no amino-acid change (alanine 1081 retained).
Molecular consequence: synonymous variant.
Genome position (GRCh38, 1-based): chr7:128,844,708, G>A. VCF-style: chr7-128844708-G-A. GRCh37 (hg19) VCF-style: chr7-128484762-G-A.
Other names: c.3243G>A, p.Ala1081= (NM_001127487.2).
Identifiers: ClinVar variation 195583 (VCV000195583.35), dbSNP rs534482249, ClinGen allele CA242061.
Genomic context (GRCh38, chr7:128,844,708, plus strand): 5'-CTTCCCCTAGGTCTGTGCTTATGGCCCGGGTCTCAAGGGTGGACTGGTAGGCACCCCCGC[G>A]CCATTCTCCATCGACACCAAGGGGGCTGGCACAGGTGGCCTGGGGCTGACCGTAGAGGGC-3'
Protein context (NP_001449.3, residues 1071-1091): GLKGGLVGTP[Ala1081=]PFSIDTKGAG

ClinVar aggregate classification (germline): Conflicting classifications of pathogenicity. Review status: criteria provided, conflicting classifications (1 of 4 stars). 7 submissions from 7 submitters: Uncertain significance (1); Likely benign (6). Last evaluated 2026-06-01.

Conditions:
FLNC-related disorder. Also called: FLNC-related disorders; FLNC-related condition.
Distal myopathy with posterior leg and anterior hand involvement. Also called: WILLIAMS DISTAL MYOPATHY. Identifiers: Orphanet 63273, MedGen C3279722, MONDO:0013550, OMIM 614065.
Myofibrillar myopathy 5. Also called: Filaminopathy (type); FILAMINOPATHY, AUTOSOMAL DOMINANT. Identifiers: Orphanet 171445, MedGen C1836050, MONDO:0012289, OMIM 609524.
Hypertrophic cardiomyopathy 26. Also called: Cardiomyopathy, familial hypertrophic, 26. Identifiers: Orphanet 75249, MedGen C4310749, MONDO:0014883, OMIM 617047.
Cardiovascular phenotype. Identifiers: MedGen CN230736.

Allele frequency attached by ClinVar (database versions not stated): gnomAD 0.00002 and 0.00003; TOPMed 0.00003; gnomAD exomes 0.00004 and 0.00005; ExAC 0.00006; 1000 Genomes Project 30x 0.00016; 1000 Genomes Project 0.00020.

Submissions (7):

PreventionGenetics, part of Exact Sciences
Classification: Likely benign for FLNC-related condition. Last evaluated: 2026-06-01. Review status: criteria provided, single submitter. Criteria: ACMG Guidelines, 2015. Collection method: clinical testing. Allele origin: germline.
Comment: This variant is classified as likely benign based on ACMG/AMP sequence variant interpretation guidelines (Richards et al. 2015 PMID: 25741868, with internal and published modifications).

Labcorp Genetics (formerly Invitae), Labcorp
Classification: Likely benign for Distal myopathy with posterior leg and anterior hand involvement; Myofibrillar myopathy 5; Hypertrophic cardiomyopathy 26. Last evaluated: 2026-02-04. Review status: criteria provided, single submitter. Criteria: Invitae Variant Classification Sherloc (09022015). Collection method: clinical testing. Allele origin: germline.

CeGaT Center for Human Genetics Tuebingen
Classification: Likely benign. Last evaluated: 2025-05-01. Review status: criteria provided, single submitter. Criteria: CeGaT Center For Human Genetics Tuebingen Variant Classification Criteria Version 2. Collection method: clinical testing. Allele origin: germline. Affected: yes. Observed: 1 variant allele.
Comment: FLNC: BP4, BP7

Blueprint Genetics
Classification: Likely benign. Last evaluated: 2024-10-01. Review status: criteria provided, single submitter. Criteria: ACMG Guidelines, 2015. Collection method: clinical testing. Allele origin: germline.

GeneDx
Classification: Likely benign. Last evaluated: 2020-06-10. Review status: criteria provided, single submitter. Criteria: GeneDx Variant Classification Process June 2021. Collection method: clinical testing. Allele origin: germline. Affected: yes.

Ambry Genetics
Classification: Likely benign for Cardiovascular phenotype. Last evaluated: 2020-06-02. Review status: criteria provided, single submitter. Criteria: Ambry Variant Classification Scheme 2023. Collection method: clinical testing. Allele origin: germline.

Eurofins Ntd Llc (ga)
Classification: Uncertain significance. Last evaluated: 2015-04-15. Review status: criteria provided, single submitter. Criteria: EGL Classification Definitions 2015. Collection method: clinical testing. Allele origin: germline. Observed: 1 variant allele, 1 heterozygote.